The following is an entry in ClinVar:

NM_000230.3(LEP):c.309C>A (p.Asn103Lys)

Gene: LEP (leptin; plus strand). Cytogenetic location: 7q32.1.
Variant type: single nucleotide variant.
Coding change: c.309C>A on transcript NM_000230.3 (MANE Select); coding-DNA position 309, C replaced by A.
Protein change: p.Asn103Lys; replaces asparagine 103 with lysine.
Molecular consequence: missense variant.
Genome position (GRCh38, 1-based): chr7:128,254,568, C>A. VCF-style: chr7-128254568-C-A. GRCh37 (hg19) VCF-style: chr7-127894621-C-A.
Other names: c.309C>A (NM_000230.2); short protein forms N103K.
Identifiers: ClinVar variation 2735087 (VCV002735087.5), dbSNP rs28954113, ClinGen allele CA4469693.

ClinVar aggregate classification (germline): Pathogenic/Likely pathogenic. Review status: criteria provided, multiple submitters, no conflicts (2 of 4 stars). 2 submissions from 2 submitters: Pathogenic (1); Likely pathogenic (1). Last evaluated 2026-03-03.

Conditions:
LEP-related disorder. Also called: LEP-related condition.

gnomAD v4.1: 67 of 1,613,982 alleles (0.0042%); highest among the groups gnomAD compares: Non-Finnish European, 0.0055%; no homozygotes.

Submissions (2):

PreventionGenetics, part of Exact Sciences
Classification: Pathogenic for LEP-related condition. Last evaluated: 2026-03-03. Review status: criteria provided, single submitter. Criteria: ACMG Guidelines, 2015. Collection method: clinical testing. Allele origin: germline.
Comment: The LEP c.309C>A variant is predicted to result in the amino acid substitution p.Asn103Lys. This variant has been reported in the homozygous state individuals with severe obesity due to leptin deficiency and segregates with disease (Mazen et al. 2009. PubMed ID: 19427251; Saeed et al. 2020. PubMed ID: 32349990; Mazen et al. 2023. PubMed ID: 37140700). Functional studies show that while this variant does not affect the ability of leptin to be secreted, the resulting leptin protein is biologically inactive and is unable to bind to the leptin receptor (Wabitsch et al. 2015. PubMed ID: 26186301; Wabitsch et al. 2016. PubMed ID: 28007844). This variant is reported in 0.0039% of alleles in individuals of European (non-Finnish) descent in gnomAD. This variant is interpreted as pathogenic.

Labcorp Genetics (formerly Invitae), Labcorp
Classification: Likely pathogenic. Last evaluated: 2023-08-19. Review status: criteria provided, single submitter. Criteria: Invitae Variant Classification Sherloc (09022015). Collection method: clinical testing. Allele origin: germline.
Comment: An algorithm developed to predict the effect of missense changes on protein structure and function (PolyPhen-2) suggests that this variant is likely to be disruptive. Experimental studies have shown that this missense change affects LEP function (PMID: 20307995, 26186301). In summary, the currently available evidence indicates that the variant is pathogenic, but additional data are needed to prove that conclusively. Therefore, this variant has been classified as Likely Pathogenic. This variant is also known as N82K. This missense change has been observed in individual(s) with autosomal recessive leptin dysfunction (PMID: 19427251, 26186301, 27075752, 32349990). It has also been observed to segregate with disease in related individuals. This variant is present in population databases (rs28954113, gnomAD 0.004%). This sequence change replaces asparagine, which is neutral and polar, with lysine, which is basic and polar, at codon 103 of the LEP protein (p.Asn103Lys).

Literature cited by the submitters: PubMed 20307995 (cited by Labcorp Genetics (formerly Invitae), Labcorp); PubMed 26186301 (cited by Labcorp Genetics (formerly Invitae), Labcorp); PubMed 19427251 (cited by Labcorp Genetics (formerly Invitae), Labcorp); PubMed 27075752 (cited by Labcorp Genetics (formerly Invitae), Labcorp); PubMed 32349990 (cited by Labcorp Genetics (formerly Invitae), Labcorp).